The following is an entry in ClinVar:

NM_003803.4(MYOM1):c.644C>T (p.Thr215Met)

Gene: MYOM1 (myomesin 1; minus strand). Cytogenetic location: 18p11.31.
Variant type: single nucleotide variant.
Coding change: c.644C>T on transcript NM_003803.4 (MANE Select); coding-DNA position 644, C replaced by T.
Protein change: p.Thr215Met; replaces threonine 215 with methionine.
Molecular consequence: missense variant.
Genome position (GRCh38, 1-based): chr18:3,188,875, G>A on the plus strand (C>T on the coding strand, the complement: MYOM1 is on the minus strand). VCF-style: chr18-3188875-G-A. GRCh37 (hg19) VCF-style: chr18-3188873-G-A.
Other names: c.644C>T, p.Thr215Met (NM_019856.2); short protein forms T215M.
Identifiers: ClinVar variation 226832 (VCV000226832.22), dbSNP rs2230165, ClinGen allele CA8875186.
Genomic context (GRCh38, chr18:3,188,875, plus strand): 5'-GTTTCTTCCTGTTGAAGAGCGGATGTGGCCTGTTTGGAAACCACAGACTGCCTGGATGCC[G>A]TGGACTGCCTGGATGCCGTGGACTGCTTGGATGCTGTGGACTGCTTGGATGCCGTGGACT-3'
Protein context (NP_003794.3, residues 205-225): SKQSTASRQS[Thr215Met]ASRQSVVSKQ

ClinVar aggregate classification (germline): Benign. Review status: criteria provided, multiple submitters, no conflicts (2 of 4 stars). 6 submissions from 6 submitters: Benign (5). 1 of the submissions does not count toward it. Last evaluated 2026-02-04.

Conditions:
Cardiovascular phenotype. Identifiers: MedGen CN230736.
MYOM1-related disorder.
Hypertrophic cardiomyopathy. Also called: HYPERTROPHIC MYOCARDIOPATHY. Identifiers: Orphanet 217569, MedGen C0007194, MeSH D002312, MONDO:0005045, HP:0001639.

Allele frequency attached by ClinVar (database versions not stated): 1000 Genomes Project 0.07169; gnomAD 0.07474 and 0.07696; TOPMed 0.07987; ESP Exome Variant Server 0.08213; gnomAD exomes 0.05333 and 0.05646; ExAC 0.05655.
gnomAD v4.1: 94,262 of 1,612,858 alleles (5.8%); highest among the groups gnomAD compares: African/African-American, 14%; 3,226 homozygotes.

Submissions (6):

Labcorp Genetics (formerly Invitae), Labcorp
Classification: Benign for Hypertrophic cardiomyopathy. Last evaluated: 2026-02-04. Review status: criteria provided, single submitter. Criteria: Invitae Variant Classification Sherloc (09022015). Collection method: clinical testing. Allele origin: germline.

GeneDx
Classification: Benign. Last evaluated: 2019-02-28. Review status: criteria provided, single submitter. Criteria: GeneDx Variant Classification Process June 2021. Collection method: clinical testing. Allele origin: germline. Affected: yes.

Laboratory for Molecular Medicine, Mass General Brigham Personalized Medicine
Classification: Benign. Last evaluated: 2014-11-24. Review status: criteria provided, single submitter. Criteria: LMM Criteria. Collection method: clinical testing. Allele origin: germline. Observed: 49 variant alleles.
Comment: Thr215Met in exon 4 of MYOM1: This variant is not expected to have clinical sign ificance because it has been identified in 13.0% (531/4076) of African American chromosomes from a broad population by the NHLBI Exome Sequencing Project (dbSNP rs2230165).

Ambry Genetics
Classification: Benign for Cardiovascular phenotype. Last evaluated: 2012-08-09. Review status: criteria provided, single submitter. Criteria: Ambry Autosomal Dominant and X-Linked criteria (10/2015). Collection method: clinical testing. Allele origin: germline. Observed: 1 variant allele.
Comment: General population or subpopulation frequency is too high to be a pathogenic mutation based on disease/syndrome prevalence and penetrance

Breakthrough Genomics
Classification: Benign. Review status: criteria provided, single submitter. Criteria: ACMG Guidelines, 2015. Collection method: not provided. Allele origin: germline. Inheritance: Unknown mechanism. Affected: yes.

PreventionGenetics, part of Exact Sciences
Classification: Benign for MYOM1-related condition. Last evaluated: 2019-11-27. Review status: no assertion criteria provided. Collection method: clinical testing. Allele origin: germline. Not counted in ClinVar's aggregate classification.
Comment: This variant is classified as benign based on ACMG/AMP sequence variant interpretation guidelines (Richards et al. 2015 PMID: 25741868, with internal and published modifications).